The following is an entry in ClinVar:

ClinVar aggregate classification (germline): Likely pathogenic (1 of 4 stars; one submission).

Conditions:
Hereditary cancer-predisposing syndrome. Also called: Tumor predisposition; Hereditary Cancer Syndrome; Neoplastic Syndromes, Hereditary; Hereditary neoplastic syndrome. Identifiers: Orphanet 140162, MedGen C0027672, MeSH D009386, MONDO:0015356.

Submission:

Ambry Genetics
Classification: Likely pathogenic for Hereditary cancer-predisposing syndrome. Last evaluated: 2018-06-05. Review status: criteria provided, single submitter. Criteria: Ambry Variant Classification Scheme 2023. Collection method: clinical testing. Allele origin: germline.
Comment: The c.263_365+47DEL150INSCAAAAAGAC alteration is a deletion of a portion of coding exon 3 of the RAD50 gene and extending 47 nucleotide into intron 3. This results in the deletion of a total of 150 nucleotides, including the last 103 nucleotides of coding exon 3. This deletion is likely to cause a disruption of normal RNA splicing and or a translational frameshift; however, direct evidence is unavailable. Based on the majority of available evidence to date, this variant is likely to be pathogenic.

NM_005732.4(RAD50):c.263_365+47delinsCAAAAAGAC

Gene: RAD50 (RAD50 double strand break repair protein; plus strand). Cytogenetic location: 5q31.1.
Variant type: Indel.
Coding change: c.263_365+47delinsCAAAAAGAC on transcript NM_005732.4 (MANE Select); coding-DNA position 263 through 47 bases into the intron after coding-DNA position 365, the reference bases replaced by CAAAAAGAC.
Molecular consequence: splice donor variant.
Genome position (GRCh38, 1-based): chr5:132,575,826-132,575,975, 150 bases replaced. GRCh37 (hg19): chr5:131,911,518-131,911,667.
Identifiers: ClinVar variation 821609 (VCV000821609.4), dbSNP rs1580985027, ClinGen allele CA915943531.